The following is an entry in ClinVar:

NM_000051.4(ATM):c.2088A>T (p.Gly696=)

Gene: ATM (ATM serine/threonine kinase; plus strand). Cytogenetic location: 11q22.3.
Variant type: single nucleotide variant.
Coding change: c.2088A>T on transcript NM_000051.4 (MANE Select); coding-DNA position 2088, A replaced by T.
Protein change: p.Gly696=; no amino-acid change (glycine 696 retained).
Molecular consequence: synonymous variant.
Genome position (GRCh38, 1-based): chr11:108,254,003, A>T. VCF-style: chr11-108254003-A-T. GRCh37 (hg19) VCF-style: chr11-108124730-A-T.
Other names: c.2088A>T, p.Gly696= (NM_001351834.2).
Identifiers: ClinVar variation 481312 (VCV000481312.14), dbSNP rs1555073469, ClinGen allele CA476672451.

ClinVar aggregate classification (germline): Benign/Likely benign. Review status: criteria provided, multiple submitters, no conflicts (2 of 4 stars). 3 submissions from 3 submitters: Benign (1); Likely benign (2). Last evaluated 2024-08-19.

Conditions:
Hereditary cancer-predisposing syndrome. Also called: Hereditary neoplastic syndrome; Neoplastic Syndromes, Hereditary; Tumor predisposition; Hereditary Cancer Syndrome. Identifiers: Orphanet 140162, MedGen C0027672, MeSH D009386, MONDO:0015356.
Familial cancer of breast. Also called: BREAST CANCER, FAMILIAL; Hereditary breast cancer; hereditary breast carcinoma. Identifiers: Orphanet 227535, MedGen C0346153, MONDO:0016419, OMIM 114480. Disease mechanism: loss of function.
Ataxia-telangiectasia syndrome (AT). Also called: LOUIS-BAR SYNDROME; Cerebello-oculocutaneous telangiectasia; Immunodeficiency with ataxia telangiectasia; AT, COMPLEMENTATION GROUP C; Ataxia-telangiectasia, complementation group D; ATAXIA-TELANGIECTASIA, COMPLEMENTATION GROUP A. Identifiers: Orphanet 100, MedGen C0004135, MONDO:0008840, OMIM 208900.

Submissions (3):

Labcorp Genetics (formerly Invitae), Labcorp
Classification: Likely benign for Ataxia-telangiectasia syndrome. Last evaluated: 2024-08-19. Review status: criteria provided, single submitter. Criteria: Invitae Variant Classification Sherloc (09022015). Collection method: clinical testing. Allele origin: germline.

Myriad Genetics, Inc.
Classification: Benign for Familial cancer of breast. Last evaluated: 2024-05-07. Review status: criteria provided, single submitter. Criteria: Myriad Autosomal Dominant, Autosomal Recessive and X-Linked Classification Criteria (2023). Collection method: clinical testing. Allele origin: unknown.
Comment: This variant is considered benign. This variant is a silent/synonymous amino acid change and it is not expected to impact splicing.

Ambry Genetics
Classification: Likely benign for Hereditary cancer-predisposing syndrome. Last evaluated: 2016-11-23. Review status: criteria provided, single submitter. Criteria: Ambry Variant Classification Scheme 2023. Collection method: clinical testing. Allele origin: germline.